The following is an entry in ClinVar:

NM_004006.3(DMD):c.1734del (p.Glu579fs)

Gene: DMD (dystrophin; minus strand). Cytogenetic location: Xp21.1.
Variant type: Deletion.
Coding change: c.1734del on transcript NM_004006.3 (MANE Select); coding-DNA position 1734, one base deleted (A; older notation c.1734delA).
Protein change: p.Glu579fs; shifts the reading frame from glutamic acid 579.
Molecular consequence: frameshift variant.
Genome position (GRCh38, 1-based): chrX:32,573,608, T deleted on the plus strand (A on the coding strand, the reverse complement: DMD is on the minus strand); the first of 5 consecutive T bases (chrX:32,573,608-32,573,612); deleting any one gives the same sequence. VCF-style (leftmost placement, unchanged base first): chrX-32573607-CT-C. GRCh37 (hg19) VCF-style: chrX-32591724-CT-C.
Other names: c.1734delA (NM_004006.2); c.1710del, p.Glu571fs (NM_000109.4); c.1722del, p.Glu575fs (NM_004009.3); c.1365del, p.Glu456fs (NM_004010.3); short protein forms E456fs, E575fs, E571fs, E579fs.
Identifiers: ClinVar variation 94479 (VCV000094479.3), dbSNP rs398123866, ClinGen allele CA266901.
Genomic context (GRCh38, chrX:32,573,607, plus strand): 5'-TTGATAACATTTCATTTTGATCTTTAAAGCCAGTTGTGTGAATCTTGTTCACTGCATCTT[CT>C]TTTTCTGAAAGCCATGCACTAAAAAGGCACTGCAAGACATTAAAGAATTCCAAGGAATAA-3'

ClinVar aggregate classification (germline): Pathogenic. Review status: criteria provided, multiple submitters, no conflicts (2 of 4 stars). 2 submissions from 2 submitters: Pathogenic (2). Last evaluated 2024-02-06.

Conditions:
Duchenne muscular dystrophy (DMD). Also called: Duchenne Muscular Dystrophy (DMD); MUSCULAR DYSTROPHY, PSEUDOHYPERTROPHIC PROGRESSIVE, DUCHENNE TYPE. Identifiers: Orphanet 98896, MedGen C0013264, MONDO:0010679, OMIM 310200.

Submissions (2):

Labcorp Genetics (formerly Invitae), Labcorp
Classification: Pathogenic for Duchenne muscular dystrophy. Last evaluated: 2024-02-06. Review status: criteria provided, single submitter. Criteria: Invitae Variant Classification Sherloc (09022015). Collection method: clinical testing. Allele origin: germline.
Comment: This sequence change creates a premature translational stop signal (p.Glu579Lysfs*4) in the DMD gene. It is expected to result in an absent or disrupted protein product. Loss-of-function variants in DMD are known to be pathogenic (PMID: 16770791, 25007885). This variant is not present in population databases (gnomAD no frequency). This variant has not been reported in the literature in individuals affected with DMD-related conditions. ClinVar contains an entry for this variant (Variation ID: 94479). For these reasons, this variant has been classified as Pathogenic.

Athena Diagnostics
Classification: Pathogenic. Last evaluated: 2019-11-08. Review status: criteria provided, single submitter. Criteria: Athena Diagnostics Criteria. Collection method: clinical testing. Allele origin: unknown.
Comment: The variant results in a shift of the reading frame, and is therefore predicted to result in the loss of a functional protein. Found in at least one patient with expected phenotype for this gene, and not found in general population data.

Literature cited by the submitters: PubMed 16770791 (cited by Labcorp Genetics (formerly Invitae), Labcorp); PubMed 25007885 (cited by Labcorp Genetics (formerly Invitae), Labcorp).